The following is an entry in ClinVar:

ClinVar aggregate classification (germline): Conflicting classifications of pathogenicity. Review status: criteria provided, conflicting classifications (1 of 4 stars). 7 submissions from 7 submitters: Uncertain significance (2); Likely benign (5). Last evaluated 2026-01-14.

Conditions:
Hereditary nonpolyposis colorectal neoplasms. Identifiers: MedGen C0009405, MeSH D003123.
Hereditary cancer-predisposing syndrome. Also called: Tumor predisposition; Hereditary neoplastic syndrome; Neoplastic Syndromes, Hereditary; Hereditary Cancer Syndrome. Identifiers: Orphanet 140162, MedGen C0027672, MeSH D009386, MONDO:0015356.
Lynch syndrome 5 (LYNCH5). Also called: Colorectal cancer, hereditary nonpolyposis, type 5; Hereditary non-polyposis colorectal cancer, type 5. Identifiers: Orphanet 144, MedGen C1833477, MONDO:0013710, OMIM 614350. Disease mechanism: loss of function.

Allele frequency attached by ClinVar (database versions not stated): TOPMed below 0.00001; ExAC 0.00001; gnomAD 0.00001; gnomAD exomes 0.00001 and 0.00002.
gnomAD v4.1: 18 of 1,612,190 alleles (0.0011%); highest among the groups gnomAD compares: African/African-American, 0.0027%; no homozygotes.

Submissions (7):

Labcorp Genetics (formerly Invitae), Labcorp
Classification: Likely benign for Hereditary nonpolyposis colorectal neoplasms. Last evaluated: 2026-01-14. Review status: criteria provided, single submitter. Criteria: Invitae Variant Classification Sherloc (09022015). Collection method: clinical testing. Allele origin: germline.

Women's Health and Genetics/Laboratory Corporation of America, LabCorp
Classification: Likely benign. Last evaluated: 2025-04-28. Review status: criteria provided, single submitter. Criteria: LabCorp Variant Classification Summary - May 2015. Collection method: clinical testing. Allele origin: germline.

Myriad Genetics, Inc.
Classification: Likely benign for Lynch syndrome 5. Last evaluated: 2024-12-18. Review status: criteria provided, single submitter. Criteria: Myriad Autosomal Dominant, Autosomal Recessive and X-Linked Classification Criteria (2023). Collection method: clinical testing. Allele origin: unknown.
Comment: This variant is considered likely benign. This variant is intronic and is not expected to impact mRNA splicing.

Quest Diagnostics Nichols Institute San Juan Capistrano
Classification: Uncertain significance. Last evaluated: 2022-10-18. Review status: criteria provided, single submitter. Criteria: Quest Diagnostics criteria. Collection method: clinical testing. Allele origin: unknown.
Comment: To the best of our knowledge, the variant has not been reported in the published literature. The frequency of this variant in the general population, 0.000026 (3/113468 chromosomes), is uninformative in assessment of its pathogenicity. Analysis of this variant using software algorithms for the prediction of the effect of nucleotide changes on splicing yielded predictions that this variant does not affect MSH6 mRNA splicing . Based on the available information, we are unable to determine the clinical significance of this variant.

GeneDx
Classification: Likely benign. Last evaluated: 2016-11-29. Review status: criteria provided, single submitter. Criteria: GeneDx Variant Classification (06012015). Collection method: clinical testing. Allele origin: germline. Affected: yes.
Comment: This variant is considered likely benign or benign based on one or more of the following criteria: it is a conservative change, it occurs at a poorly conserved position in the protein, it is predicted to be benign by multiple in silico algorithms, and/or has population frequency not consistent with disease.

Color Diagnostics, LLC DBA Color Health
Classification: Likely benign for Hereditary cancer-predisposing syndrome. Last evaluated: 2016-03-04. Review status: criteria provided, single submitter. Criteria: ACMG Guidelines, 2015. Collection method: clinical testing. Allele origin: germline.

Ambry Genetics
Classification: Uncertain significance for Hereditary cancer-predisposing syndrome. Last evaluated: 2015-08-12. Review status: criteria provided, single submitter. Criteria: Ambry Variant Classification Scheme 2023. Collection method: clinical testing. Allele origin: germline.
Comment: The c.457+7G>C intronic alteration consists of a G to C substitution nucleotides after coding exon 2 in the MSH6 gene. Based on insufficient or conflicting evidence, the clinical significance of this alteration remains unclear.

NM_000179.3(MSH6):c.457+7G>C

Gene: MSH6 (mutS homolog 6; plus strand). Cytogenetic location: 2p16.3.
Variant type: single nucleotide variant.
Coding change: c.457+7G>C on transcript NM_000179.3 (MANE Select); 7 bases into the intron after coding-DNA position 457, G replaced by C.
Molecular consequence: intron variant.
Genome position (GRCh38, 1-based): chr2:47,791,130, G>C. VCF-style: chr2-47791130-G-C. GRCh37 (hg19) VCF-style: chr2-48018269-G-C.
Other names: c.-280+7G>C (NM_001281493.2); c.238-7481G>C (NM_001281492.2); c.-446+7G>C (NM_001281494.2).
Identifiers: ClinVar variation 379500 (VCV000379500.21), dbSNP rs781280171, ClinGen allele CA072976.
Genomic context (GRCh38, chr2:47,791,130, plus strand): 5'-ATGACAGCCCAACAAGGGGCTGGGTTAGCAAAAGGCTTTTAAAGCCATATACAGGTAAGA[G>C]TCACTACTGCCATGTGTGTGTGTTTGTGTGTGTGTGTGTGTGTGTGAGAGAAACAGACAG-3'